The following is an entry in ClinVar:

ClinVar aggregate classification (germline): Uncertain significance. Review status: criteria provided, multiple submitters, no conflicts (2 of 4 stars). 3 submissions from 3 submitters: Uncertain significance (3). Last evaluated 2024-03-20.

Conditions:
Choanal atresia-athelia-hypothyroidism-delayed puberty-short stature syndrome (BCAHH). Also called: BRANCHIAL ARCH ABNORMALITIES, CHOANAL ATRESIA, ATHELIA, HEARING LOSS, AND HYPOTHYROIDISM SYNDROME. Identifiers: Orphanet 589856, MedGen C5680310, MONDO:0035651, OMIM 620186.
Kabuki syndrome 1 (KABUK1). Also called: KMT2D-Related Kabuki Syndrome. Identifiers: Orphanet 2322, MedGen CN030661, MONDO:0007843, OMIM 147920.
Kabuki syndrome. Also called: Kabuki make-up syndrome; NIIKAWA-KUROKI SYNDROME. Identifiers: Orphanet 2322, MedGen C0796004, MONDO:0016512.

Allele frequency attached by ClinVar (database versions not stated): gnomAD 0.00001.
gnomAD v4.1: 2 of 1,613,482 alleles (0.00012%); highest among the groups gnomAD compares: Non-Finnish European, 0.00017%; no homozygotes.

Submissions (3):

Fulgent Genetics
Classification: Uncertain significance for Kabuki syndrome 1; Choanal atresia-athelia-hypothyroidism-delayed puberty-short stature syndrome. Last evaluated: 2024-03-20. Review status: criteria provided, single submitter. Criteria: ACMG Guidelines, 2015. Collection method: clinical testing. Allele origin: germline.

Labcorp Genetics (formerly Invitae), Labcorp
Classification: Uncertain significance for Kabuki syndrome. Last evaluated: 2021-12-09. Review status: criteria provided, single submitter. Criteria: Invitae Variant Classification Sherloc (09022015). Collection method: clinical testing. Allele origin: germline.
Comment: This sequence change replaces leucine, which is neutral and non-polar, with valine, which is neutral and non-polar, at codon 3704 of the KMT2D protein (p.Leu3704Val). This variant is present in population databases (no rsID available, gnomAD 0.007%). This variant has not been reported in the literature in individuals affected with KMT2D-related conditions. Advanced modeling of protein sequence and biophysical properties (such as structural, functional, and spatial information, amino acid conservation, physicochemical variation, residue mobility, and thermodynamic stability) performed at Invitae indicates that this missense variant is not expected to disrupt KMT2D protein function. In summary, the available evidence is currently insufficient to determine the role of this variant in disease. Therefore, it has been classified as a Variant of Uncertain Significance.

Breakthrough Genomics
Classification: Uncertain significance. Review status: criteria provided, single submitter. Criteria: ACMG Guidelines, 2015. Collection method: not provided. Allele origin: germline. Inheritance: Autosomal dominant inheritance. Affected: yes.

NM_003482.4(KMT2D):c.11110C>G (p.Leu3704Val)

Gene: KMT2D (lysine methyltransferase 2D; minus strand). Cytogenetic location: 12q13.12.
Variant type: single nucleotide variant.
Coding change: c.11110C>G on transcript NM_003482.4 (MANE Select); coding-DNA position 11110, C replaced by G.
Protein change: p.Leu3704Val; replaces leucine 3704 with valine.
Molecular consequence: missense variant.
Genome position (GRCh38, 1-based): chr12:49,033,595, G>C on the plus strand (C>G on the coding strand, the complement: KMT2D is on the minus strand). VCF-style: chr12-49033595-G-C. GRCh37 (hg19) VCF-style: chr12-49427378-G-C.
Other names: short protein forms L3704V.
Identifiers: ClinVar variation 1385886 (VCV001385886.8), dbSNP rs1387823001, ClinGen allele CA384723552.
Genomic context (GRCh38, chr12:49,033,595, plus strand): 5'-GCAGCTGCAGCTGCCTTTCCTGTAAAAGCCTTGAATCAGGTCCGAGGCTTCGAAGAGCAA[G>C]GTTGCCAGGGAAGAAGCCCCCTGAAGGGCCAGCCAGGGATCCAGCCCCACCAGAATGTTG-3'
Protein context (NP_003473.3, residues 3694-3714): GPSGGFFPGN[Leu3704Val]ALRSLGPDSR